The following is an entry in ClinVar:

NM_001042492.3(NF1):c.6174del (p.Ile2058fs)

Gene: NF1 (neurofibromin 1; plus strand). Cytogenetic location: 17q11.2.
Variant type: Deletion.
Coding change: c.6174del on transcript NM_001042492.3 (MANE Select); coding-DNA position 6174, one base deleted (T; older notation c.6174delT).
Protein change: p.Ile2058fs; shifts the reading frame from isoleucine 2058.
Molecular consequence: frameshift variant.
Genome position (GRCh38, 1-based): chr17:31,336,661, T deleted; the last of 2 consecutive T bases (chr17:31,336,660-31,336,661); deleting either gives the same sequence. VCF-style (leftmost placement, unchanged base first): chr17-31336659-AT-A. GRCh37 (hg19) VCF-style: chr17-29663677-AT-A.
Other names: c.6111delT, p.Ile2037Metfs (NM_000267.4); c.6111delT (NM_000267.3); short protein forms I2058fs, I2037fs.
Identifiers: ClinVar variation 565403 (VCV000565403.5), dbSNP rs1567616894, ClinGen allele CA891844402.

ClinVar aggregate classification (germline): Pathogenic (1 of 4 stars; one submission).

Conditions:
Neurofibromatosis, type 1 (NF1). Also called: VON RECKLINGHAUSEN DISEASE; NEUROFIBROMATOSIS, TYPE I, SOMATIC; Peripheral type neurofibromatosis; Neurofibromatosis, type I. Identifiers: Orphanet 636, MedGen C0027831, MONDO:0018975, OMIM 162200. Disease mechanism: loss of function.

Submission:

Labcorp Genetics (formerly Invitae), Labcorp
Classification: Pathogenic for Neurofibromatosis, type 1. Last evaluated: 2018-06-05. Review status: criteria provided, single submitter. Criteria: Invitae Variant Classification Sherloc (09022015). Collection method: clinical testing. Allele origin: germline.
Comment: Loss-of-function variants in NF1 are known to be pathogenic (PMID: 10712197, 23913538). For these reasons, this variant has been classified as Pathogenic. This variant has not been reported in the literature in individuals with NF1-related disease. This variant is not present in population databases (ExAC no frequency). This sequence change creates a premature translational stop signal (p.Ile2037Metfs*12) in the NF1 gene. It is expected to result in an absent or disrupted protein product.

Literature cited by the submitters: PubMed 10712197; PubMed 23913538.